The following is an entry in ClinVar:

ClinVar aggregate classification (germline): Pathogenic (0 of 4 stars; one submission).

Conditions:
von Willebrand disease type 3 (VWD3). Also called: Type 3 Von Willebrand's disease; Type 3 VWD; Von Willebrand disease, severe form; V WD3; VON WILLEBRAND DISEASE, TYPE III. Identifiers: Orphanet 166096, MedGen C1264041, MONDO:0010191, OMIM 277480.

Submission:

Angelo Bianchi Bonomi Hemophilia and Thrombosis Center, Fondazione IRCCS Ca Granda Ospedale Maggiore Policlinico
Classification: Pathogenic for von Willebrand disease type 3. Last evaluated: 2021-04-12. Review status: no assertion criteria provided. Collection method: clinical testing. Allele origin: germline. Affected: yes. Study: Type 3 Von Willebrand International Registries Inhibitor Prospective Study (3WINTERS-IPS).
Comment: CNV Interpretation Scoring Rubric: Copy Number LOSS

NC_000012.11:g.(?_6058180)_(6105389_6120781)del

Gene: VWF (von Willebrand factor; minus strand). Cytogenetic location: 12p13.31.
Variant type: Deletion.
Identifiers: ClinVar variation 1065237 (VCV001065237.3).